The following is an entry in ClinVar:

NM_032242.4(PLXNA1):c.3340C>G (p.Arg1114Gly)

Gene: PLXNA1 (plexin A1; plus strand). Cytogenetic location: 3q21.3.
Variant type: single nucleotide variant.
Coding change: c.3340C>G on transcript NM_032242.4 (MANE Select); coding-DNA position 3340, C replaced by G.
Protein change: p.Arg1114Gly; replaces arginine 1114 with glycine.
Molecular consequence: missense variant.
Genome position (GRCh38, 1-based): chr3:127,017,488, C>G. VCF-style: chr3-127017488-C-G. GRCh37 (hg19) VCF-style: chr3-126736331-C-G.
Other names: short protein forms R1114G.
Identifiers: ClinVar variation 2408198 (VCV002408198.7), dbSNP rs745637235, ClinGen allele CA2593988.

ClinVar aggregate classification (germline): Uncertain significance. Review status: criteria provided, multiple submitters, no conflicts (2 of 4 stars). 2 submissions from 2 submitters: Uncertain significance (2). Last evaluated 2026-07-21.

Conditions:
PLXNA1-related disorder. Also called: PLXNA1-related condition.

gnomAD v4.1: 35 of 1,613,420 alleles (0.0022%); highest among the groups gnomAD compares: Admixed American, 0.057%; no homozygotes.

Submissions (2):

PreventionGenetics, part of Exact Sciences
Classification: Uncertain significance for PLXNA1-related condition. Last evaluated: 2026-07-21. Review status: criteria provided, single submitter. Criteria: ACMG Guidelines, 2015. Collection method: clinical testing. Allele origin: germline.
Comment: The PLXNA1 c.3340C>G variant is predicted to result in the amino acid substitution p.Arg1114Gly. To our knowledge, this variant has not been reported in the literature in association with obesity. This variant is reported in 0.061% of alleles in individuals of Latino descent in gnomAD, which may be too common to be an undocumented cause of disease. Although we suspect that this variant may be benign, at this time, the clinical significance of this variant is uncertain due to the absence of conclusive functional and genetic evidence.

Ambry Genetics
Classification: Uncertain significance. Last evaluated: 2025-08-02. Review status: criteria provided, single submitter. Criteria: Ambry Variant Classification Scheme 2023. Collection method: clinical testing. Allele origin: germline.